The following is an entry in ClinVar:

NM_004408.4(DNM1):c.161+164G>C

Genes: CIZ1 (CDKN1A interacting zinc finger protein 1; minus strand), DNM1 (dynamin 1; plus strand). Cytogenetic location: 9q34.11.
Variant type: single nucleotide variant.
Coding change: c.161+164G>C on transcript NM_004408.4 (MANE Select); 164 bases into the intron after coding-DNA position 161, G replaced by C.
Molecular consequence: intron variant.
Genome position (GRCh38, 1-based): chr9:128,203,795, G>C. VCF-style: chr9-128203795-G-C. GRCh37 (hg19) VCF-style: chr9-130966074-G-C.
Other names: c.161+164G>C (NM_001005336.3, NM_001374269.1, NM_001288738.2 and 2 more transcripts); c.-6+391C>G (NM_001131015.2, NM_012127.3).
Identifiers: ClinVar variation 677619 (VCV000677619.3), dbSNP rs112665081, ClinGen allele CA200334683.

ClinVar aggregate classification (germline): Likely benign (1 of 4 stars; one submission).

Allele frequency attached by ClinVar (database versions not stated): gnomAD 0.01218 and 0.00938; TOPMed 0.00877; 1000 Genomes Project 30x 0.01109; 1000 Genomes Project 0.01118.
gnomAD v4.1: 1,257 of 104,172 alleles (1.2%); highest among the groups gnomAD compares: African/African-American, 4.5%; 23 homozygotes.

Submission:

GeneDx
Classification: Likely benign. Last evaluated: 2018-06-19. Review status: criteria provided, single submitter. Criteria: GeneDx Variant Classification (06012015). Collection method: clinical testing. Allele origin: germline. Affected: yes.
Comment: This variant is considered likely benign or benign based on one or more of the following criteria: it is a conservative change, it occurs at a poorly conserved position in the protein, it is predicted to be benign by multiple in silico algorithms, and/or has population frequency not consistent with disease.